The following is an entry in ClinVar:

NM_000059.4(BRCA2):c.1615G>A (p.Gly539Arg)

Gene: BRCA2 (BRCA2 DNA repair associated; plus strand). Cytogenetic location: 13q13.1.
Variant type: single nucleotide variant.
Coding change: c.1615G>A on transcript NM_000059.4 (MANE Select); coding-DNA position 1615, G replaced by A.
Protein change: p.Gly539Arg; replaces glycine 539 with arginine.
Molecular consequence: missense variant.
Genome position (GRCh38, 1-based): chr13:32,333,093, G>A. VCF-style: chr13-32333093-G-A. GRCh37 (hg19) VCF-style: chr13-32907230-G-A.
Other names: short protein forms G539R.
Identifiers: ClinVar variation 232041 (VCV000232041.9), dbSNP rs876659513, ClinGen allele CA10579498.
Genomic context (GRCh38, chr13:32,333,093, plus strand): 5'-AGTTTTTCAGGTCATATGACTGATCCAAACTTTAAAAAAGAAACTGAAGCCTCTGAAAGT[G>A]GACTGGAAATACATACTGTTTGCTCACAGAAGGAGGACTCCTTATGTCCAAATTTAATTG-3'
Protein context (NP_000050.3, residues 529-549): FKKETEASES[Gly539Arg]LEIHTVCSQK

ClinVar aggregate classification (germline): Conflicting classifications of pathogenicity. Review status: criteria provided, conflicting classifications (1 of 4 stars). 3 submissions from 3 submitters: Uncertain significance (1); Likely benign (2). Last evaluated 2026-01-07.

Conditions:
Hereditary cancer-predisposing syndrome. Also called: Neoplastic Syndromes, Hereditary; Tumor predisposition; Hereditary Cancer Syndrome; Hereditary neoplastic syndrome. Identifiers: Orphanet 140162, MedGen C0027672, MeSH D009386, MONDO:0015356.
Hereditary breast ovarian cancer syndrome. Also called: BRCA1- and BRCA2-Associated Hereditary Breast and Ovarian Cancer; Hereditary breast and ovarian cancer syndrome; Hereditary breast and ovarian cancer; Hereditary breast and ovarian cancer syndrome (HBOC); Breast and ovarian cancer; Hereditary breast and/or ovarian cancer syndrome. Identifiers: Orphanet 145, MedGen C0677776, MeSH D061325, MONDO:0003582. Disease mechanism: loss of function.

Allele frequency attached by ClinVar (database versions not stated): gnomAD exomes below 0.00001.
gnomAD v4.1: 3 of 1,612,908 alleles (0.00019%); highest among the groups gnomAD compares: Non-Finnish European, 0.00025%; no homozygotes.

Submissions (3):

Labcorp Genetics (formerly Invitae), Labcorp
Classification: Uncertain significance for Hereditary breast ovarian cancer syndrome. Last evaluated: 2026-01-07. Review status: criteria provided, single submitter. Criteria: Invitae Variant Classification Sherloc (09022015). Collection method: clinical testing. Allele origin: germline.
Comment: This sequence change replaces glycine, which is neutral and non-polar, with arginine, which is basic and polar, at codon 539 of the BRCA2 protein (p.Gly539Arg). This variant is not present in population databases (gnomAD no frequency). This variant has not been reported in the literature in individuals affected with BRCA2-related conditions. ClinVar contains an entry for this variant (Variation ID: 232041). Invitae Evidence Modeling of protein sequence and biophysical properties (such as structural, functional, and spatial information, amino acid conservation, physicochemical variation, residue mobility, and thermodynamic stability) indicates that this missense variant is not expected to disrupt BRCA2 protein function with a negative predictive value of 95%. In summary, the available evidence is currently insufficient to determine the role of this variant in disease. Therefore, it has been classified as a Variant of Uncertain Significance.

Ambry Genetics
Classification: Likely benign for Hereditary cancer-predisposing syndrome. Last evaluated: 2025-07-24. Review status: criteria provided, single submitter. Criteria: Ambry Variant Classification Scheme 2023. Collection method: clinical testing. Allele origin: germline.

University of Washington Department of Laboratory Medicine, University of Washington
Classification: Likely benign for Hereditary cancer-predisposing syndrome. Last evaluated: 2023-03-23. Review status: criteria provided, single submitter. Criteria: Dines et al. (Genet Med. 2020). Collection method: curation. Allele origin: germline.
Comment: Missense variant in a coldspot region where missense variants are very unlikely to be pathogenic (PMID:31911673).

BRCA2 exon 10 coldspot. Reclassification based on statistical prior probability.